The following is an entry in ClinVar:

NM_006180.6(NTRK2):c.2309G>A (p.Trp770Ter)

Gene: NTRK2 (neurotrophic receptor tyrosine kinase 2; plus strand). Cytogenetic location: 9q21.33.
Variant type: single nucleotide variant.
Coding change: c.2309G>A on transcript NM_006180.6 (MANE Select); coding-DNA position 2309, G replaced by A.
Protein change: p.Trp770Ter; replaces tryptophan 770 with a stop codon.
Molecular consequence: nonsense.
Genome position (GRCh38, 1-based): chr9:85,020,342, G>A. VCF-style: chr9-85020342-G-A. GRCh37 (hg19) VCF-style: chr9-87635257-G-A.
Other names: c.2261G>A, p.Trp754Ter (NM_001018064.3, NM_001369532.1, NM_001369533.1); c.2225G>A, p.Trp742Ter (NM_001369534.1); c.1793G>A, p.Trp598Ter (NM_001369535.1); c.1841G>A, p.Trp614Ter (NM_001369536.1); short protein forms W598*, W614*, W742*, W754*, W770*.
Identifiers: ClinVar variation 3600803 (VCV003600803.1).
Genomic context (GRCh38, chr9:85,020,342, plus strand): 5'-GCGACGTCTGGAGCCTGGGGGTCGTGTTGTGGGAGATTTTCACCTATGGCAAACAGCCCT[G>A]GTACCAGCTGTCAAACAATGAGGTGTGCAATGGGTCTGGCCAAGACCCTCCAGAGGGCTG-3'

ClinVar aggregate classification (germline): Uncertain significance (1 of 4 stars; one submission).

Submission:

GeneDx
Classification: Uncertain significance. Last evaluated: 2024-07-24. Review status: criteria provided, single submitter. Criteria: GeneDx Variant Classification Process June 2021. Collection method: clinical testing. Allele origin: germline. Affected: yes.
Comment: Nonsense variant predicted to result in protein truncation as the last 69 amino acids are lost, although loss-of-function variants have not been reported downstream of this position in the protein; Not observed at significant frequency in large population cohorts (gnomAD); Has not been previously published as pathogenic or benign to our knowledge